The following is an entry in ClinVar:

ClinVar aggregate classification (germline): Uncertain significance. Review status: criteria provided, multiple submitters, no conflicts (2 of 4 stars). 2 submissions from 2 submitters: Uncertain significance (2). Last evaluated 2025-09-24.

Conditions:
Wilson disease (WND). Also called: Wilson's disease. Identifiers: Orphanet 905, MedGen C0019202, MONDO:0010200, OMIM 277900. Disease mechanism: loss of function.

gnomAD v4.1: 9 of 1,614,082 alleles (0.00056%); highest among the groups gnomAD compares: South Asian, 0.0011%; no homozygotes.

Submissions (2):

Color Diagnostics, LLC DBA Color Health
Classification: Uncertain significance for Wilson disease. Last evaluated: 2025-09-24. Review status: criteria provided, single submitter. Criteria: ACMG Guidelines, 2015. Collection method: clinical testing. Allele origin: germline.
Comment: This missense variant replaces threonine with alanine at codon 601 of the ATP7B protein. Computational prediction suggests that this variant may have deleterious impact on protein structure and function. To our knowledge, functional studies have not been reported for this variant. This variant has not been reported in individuals affected with ATP7B-related disorders in the literature. This variant has not been identified in the general population by the Genome Aggregation Database (gnomAD). The available evidence is insufficient to determine the role of this variant in disease conclusively. Therefore, this variant is classified as a Variant of Uncertain Significance.

GeneDx
Classification: Uncertain significance. Last evaluated: 2025-04-23. Review status: criteria provided, single submitter. Criteria: GeneDx Variant Classification Process June 2021. Collection method: clinical testing. Allele origin: germline. Affected: yes.
Comment: In silico analysis supports that this missense variant has a deleterious effect on protein structure/function; Has not been previously published as pathogenic or benign to our knowledge

NM_000053.4(ATP7B):c.1801A>G (p.Thr601Ala)

Gene: ATP7B (ATPase copper transporting beta; minus strand). Cytogenetic location: 13q14.3.
Variant type: single nucleotide variant.
Coding change: c.1801A>G on transcript NM_000053.4 (MANE Select); coding-DNA position 1801, A replaced by G.
Protein change: p.Thr601Ala; replaces threonine 601 with alanine.
Molecular consequence: missense variant. On other transcripts: intron variant (3).
Genome position (GRCh38, 1-based): chr13:51,964,940, T>C on the plus strand (A>G on the coding strand, the complement: ATP7B is on the minus strand). VCF-style: chr13-51964940-T-C. GRCh37 (hg19) VCF-style: chr13-52539076-T-C.
Other names: c.1705A>G, p.Thr569Ala (NM_001406517.1, NM_001406518.1, NM_001406530.1 and 3 more transcripts); c.1801A>G, p.Thr601Ala (NM_001406519.1, NM_001406520.1, NM_001406521.1 and 24 more transcripts); c.1768A>G, p.Thr590Ala (NM_001406524.1, NM_001406514.1); c.1707+3504A>G (NM_001406545.1, NM_001406547.1); c.1468A>G, p.Thr490Ala (NM_001243182.2); c.1372A>G, p.Thr458Ala (NM_001406539.1); c.1285+8995A>G (NM_001406548.1); short protein forms T458A, T490A, T569A, T590A, T601A.
Identifiers: ClinVar variation 4527414 (VCV004527414.2).